The following is an entry in ClinVar:

NM_000416.3(IFNGR1):c.1093G>A (p.Val365Met)

Gene: IFNGR1 (interferon gamma receptor 1; minus strand). Cytogenetic location: 6q23.3.
Variant type: single nucleotide variant.
Coding change: c.1093G>A on transcript NM_000416.3 (MANE Select); coding-DNA position 1093, G replaced by A.
Protein change: p.Val365Met; replaces valine 365 with methionine.
Molecular consequence: missense variant.
Genome position (GRCh38, 1-based): chr6:137,198,408, C>T on the plus strand (G>A on the coding strand, the complement: IFNGR1 is on the minus strand). VCF-style: chr6-137198408-C-T. GRCh37 (hg19) VCF-style: chr6-137519545-C-T.
Other names: c.1063G>A, p.Val355Met (NM_001363526.1); c.970G>A, p.Val324Met (NM_001363527.1); short protein forms V324M, V355M, V365M.
Identifiers: ClinVar variation 1375992 (VCV001375992.7), dbSNP rs56403507, ClinGen allele CA4018814.

ClinVar aggregate classification (germline): Conflicting classifications of pathogenicity. Review status: criteria provided, conflicting classifications (1 of 4 stars). 2 submissions from 2 submitters: Uncertain significance (1); Likely benign (1). Last evaluated 2026-01-06.

Conditions:
Disseminated atypical mycobacterial infection. Identifiers: MedGen C0694566.

Allele frequency attached by ClinVar (database versions not stated): gnomAD 0.00004 and 0.00005; gnomAD exomes 0.00005 and 0.00009; ExAC 0.00006; TOPMed 0.00007; ESP Exome Variant Server 0.00015.
gnomAD v4.1: 138 of 1,613,932 alleles (0.0086%); highest among the groups gnomAD compares: Middle Eastern, 0.016%; no homozygotes.

Submissions (2):

Labcorp Genetics (formerly Invitae), Labcorp
Classification: Uncertain significance for Disseminated atypical mycobacterial infection. Last evaluated: 2026-01-06. Review status: criteria provided, single submitter. Criteria: Invitae Variant Classification Sherloc (09022015). Collection method: clinical testing. Allele origin: germline.
Comment: This sequence change replaces valine, which is neutral and non-polar, with methionine, which is neutral and non-polar, at codon 365 of the IFNGR1 protein (p.Val365Met). This variant is present in population databases (rs56403507, gnomAD 0.01%). This variant has not been reported in the literature in individuals affected with IFNGR1-related conditions. ClinVar contains an entry for this variant (Variation ID: 1375992). Invitae Evidence Modeling of protein sequence and biophysical properties (such as structural, functional, and spatial information, amino acid conservation, physicochemical variation, residue mobility, and thermodynamic stability) indicates that this missense variant is not expected to disrupt IFNGR1 protein function with a negative predictive value of 80%. In summary, the available evidence is currently insufficient to determine the role of this variant in disease. Therefore, it has been classified as a Variant of Uncertain Significance.

Blueprint Genetics
Classification: Likely benign. Last evaluated: 2022-12-27. Review status: criteria provided, single submitter. Criteria: ACMG Guidelines, 2015. Collection method: clinical testing. Allele origin: germline.